The following is an entry in ClinVar:

NM_004629.2(FANCG):c.1642C>G (p.Arg548Gly)

Gene: FANCG (FA complementation group G; minus strand). Cytogenetic location: 9p13.3.
Variant type: single nucleotide variant.
Coding change: c.1642C>G on transcript NM_004629.2 (MANE Select); coding-DNA position 1642, C replaced by G.
Protein change: p.Arg548Gly; replaces arginine 548 with glycine.
Molecular consequence: missense variant.
Genome position (GRCh38, 1-based): chr9:35,074,489, G>C on the plus strand (C>G on the coding strand, the complement: FANCG is on the minus strand). VCF-style: chr9-35074489-G-C. GRCh37 (hg19) VCF-style: chr9-35074486-G-C.
Other names: short protein forms R548G.
Identifiers: ClinVar variation 2062731 (VCV002062731.2), dbSNP rs779834525, ClinGen allele CA373301335.

ClinVar aggregate classification (germline): Uncertain significance. Review status: criteria provided, multiple submitters, no conflicts (2 of 4 stars). 2 submissions from 2 submitters: Uncertain significance (2). Last evaluated 2022-08-05.

Conditions:
Fanconi anemia complementation group G. Also called: Fanconi anemia group G; FANCG-Related Fanconi Anemia. Identifiers: Orphanet 84, MedGen C3469527, MONDO:0013565, OMIM 614082.
Fanconi anemia (FA). Also called: Fanconi's anemia. Identifiers: Orphanet 84, MedGen C0015625, MeSH D005199, MONDO:0019391.

gnomAD v4.1: 4 of 1,613,854 alleles (0.00025%); highest among the groups gnomAD compares: Middle Eastern, 0.033%; 1 homozygote.

Submissions (2):

Labcorp Genetics (formerly Invitae), Labcorp
Classification: Uncertain significance for Fanconi anemia. Last evaluated: 2022-08-05. Review status: criteria provided, single submitter. Criteria: Invitae Variant Classification Sherloc (09022015). Collection method: clinical testing. Allele origin: germline.
Comment: This sequence change replaces arginine, which is basic and polar, with glycine, which is neutral and non-polar, at codon 548 of the FANCG protein (p.Arg548Gly). This variant is not present in population databases (gnomAD no frequency). This variant has not been reported in the literature in individuals affected with FANCG-related conditions. Algorithms developed to predict the effect of missense changes on protein structure and function output the following: SIFT: "Tolerated"; PolyPhen-2: "Benign"; Align-GVGD: "Class C0". The glycine amino acid residue is found in multiple mammalian species, which suggests that this missense change does not adversely affect protein function. In summary, the available evidence is currently insufficient to determine the role of this variant in disease. Therefore, it has been classified as a Variant of Uncertain Significance.

Department of Pathology and Laboratory Medicine, Sinai Health System
Classification: Uncertain significance for Fanconi anemia complementation group G. Last evaluated: 2021-07-30. Review status: criteria provided, single submitter. Criteria: ACMG Guidelines, 2015. Collection method: research. Allele origin: germline.